The following is an entry in ClinVar:

NM_004036.5(ADCY3):c.1842G>T (p.Arg614=)

Gene: ADCY3 (adenylate cyclase 3; minus strand). Cytogenetic location: 2p23.3.
Variant type: single nucleotide variant.
Coding change: c.1842G>T on transcript NM_004036.5 (MANE Select); coding-DNA position 1842, G replaced by T.
Protein change: p.Arg614=; no amino-acid change (arginine 614 retained).
Molecular consequence: synonymous variant.
Genome position (GRCh38, 1-based): chr2:24,834,610, C>A on the plus strand (G>T on the coding strand, the complement: ADCY3 is on the minus strand). VCF-style: chr2-24834610-C-A. GRCh37 (hg19) VCF-style: chr2-25057479-C-A.
Other names: c.1842G>T, p.Arg614= (NM_001320613.2, NM_001377129.1, NM_001377130.1 and 1 more transcripts); c.1908G>T, p.Arg636= (NM_001377128.1); c.1119G>T, p.Arg373= (NM_001377131.1).
Identifiers: ClinVar variation 4978170 (VCV004978170.1).

ClinVar aggregate classification (germline): Likely benign (1 of 4 stars; one submission).

Conditions:
ADCY3-related disorder. Also called: ADCY3-related condition.

Submission:

PreventionGenetics, part of Exact Sciences
Classification: Likely benign for ADCY3-related condition. Last evaluated: 2025-12-03. Review status: criteria provided, single submitter. Criteria: ACMG Guidelines, 2015. Collection method: clinical testing. Allele origin: germline.
Comment: This variant is classified as likely benign based on ACMG/AMP sequence variant interpretation guidelines (Richards et al. 2015 PMID: 25741868, with internal and published modifications).